The following is an entry in ClinVar:

ClinVar aggregate classification (germline): Pathogenic (1 of 4 stars; one submission).

Conditions:
Lowe syndrome (OCRL). Also called: LOWE OCULOCEREBRORENAL SYNDROME; PHOSPHATIDYLINOSITOL 4,5-BISPHOSPHATE 5-PHOSPHATASE DEFICIENCY; Oculocerebrorenal Syndrome. Identifiers: Orphanet 534, MedGen C0028860, MONDO:0010645, OMIM 309000.

Submission:

Labcorp Genetics (formerly Invitae), Labcorp
Classification: Pathogenic for Lowe syndrome. Last evaluated: 2023-11-25. Review status: criteria provided, single submitter. Criteria: Invitae Variant Classification Sherloc (09022015). Collection method: clinical testing. Allele origin: germline.
Comment: This sequence change creates a premature translational stop signal (p.Cys771Trpfs*53) in the OCRL gene. It is expected to result in an absent or disrupted protein product. Loss-of-function variants in OCRL are known to be pathogenic (PMID: 19390221, 21031565, 22381590). This variant is not present in population databases (gnomAD no frequency). This variant has not been reported in the literature in individuals affected with OCRL-related conditions. ClinVar contains an entry for this variant (Variation ID: 2033348). For these reasons, this variant has been classified as Pathogenic.

Literature cited by the submitters: PubMed 19390221; PubMed 21031565; PubMed 22381590.

NM_000276.4(OCRL):c.2313_2316del (p.Cys771fs)

Gene: OCRL (OCRL inositol polyphosphate-5-phosphatase; plus strand). Cytogenetic location: Xq26.1.
Variant type: Deletion.
Coding change: c.2313_2316del on transcript NM_000276.4 (MANE Select); coding-DNA positions 2313 to 2316, 4 bases deleted (TCTG; older notation c.2313_2316delTCTG).
Protein change: p.Cys771fs; shifts the reading frame from cysteine 771.
Molecular consequence: frameshift variant.
Genome position (GRCh38, 1-based): chrX:129,588,235-129,588,238, TCTG deleted; deleting any 4 consecutive bases within chrX:129,588,233-129,588,238 gives the same sequence; the c. name uses the placement nearest the transcript's 3' end. VCF-style (leftmost placement, unchanged base first): chrX-129588232-TTGTC-T. GRCh37 (hg19) VCF-style: chrX-128722209-TTGTC-T.
Other names: c.2316_2319del, p.Cys772fs (NM_001318784.2); c.2289_2292del, p.Cys763fs (NM_001587.4); short protein forms C763fs, C772fs, C771fs.
Identifiers: ClinVar variation 2033348 (VCV002033348.4), dbSNP rs2521945695, ClinGen allele CA2580101472.
Genomic context (GRCh38, chrX:129,588,232, plus strand): 5'-TTGGTAGGAGGACCTGTTCCAGACCCCTGGAATGCAGGAAGAGCTCCAGCAGATCATTGA[TTGTC>T]TGGATACCAGCATTCCTGAGACAATCCGTATCCTTTGCGACCAAAGCTTAAGAAGCTGGA-3'